The following is an entry in ClinVar:

NM_017514.5(PLXNA3):c.19C>T (p.Leu7Phe)

Gene: PLXNA3 (plexin A3; plus strand). Cytogenetic location: Xq28.
Variant type: single nucleotide variant.
Coding change: c.19C>T on transcript NM_017514.5 (MANE Select); coding-DNA position 19, C replaced by T.
Protein change: p.Leu7Phe; replaces leucine 7 with phenylalanine.
Molecular consequence: missense variant.
Genome position (GRCh38, 1-based): chrX:154,460,202, C>T. VCF-style: chrX-154460202-C-T. GRCh37 (hg19) VCF-style: chrX-153688542-C-T.
Other names: short protein forms L7F.
Identifiers: ClinVar variation 3355247 (VCV003355247.1).
Genomic context (GRCh38, chrX:154,460,202, plus strand): 5'-ACCGTCTCTCCCTAGGCCTGTCCCCAGGCGCGGCTGCCGGCCATGCCCTCTGTCTGCCTC[C>T]TCCTGCTGCTCTTCCTTGCCGTGGGGGGGGCCCTGGGCAACAGGCCCTTCCGTGCCTTCG-3'
Protein context (NP_059984.3, residues 1-17): MPSVCL[Leu7Phe]LLLFLAVGGA

ClinVar aggregate classification (germline): Uncertain significance (0 of 4 stars; one submission).

Conditions:
PLXNA3-related disorder. Also called: PLXNA3-related condition.

Submission:

PreventionGenetics, part of Exact Sciences
Classification: Uncertain significance for PLXNA3-related condition. Last evaluated: 2024-08-14. Review status: no assertion criteria provided. Collection method: clinical testing. Allele origin: germline.
Comment: The PLXNA3 c.19C>T variant is predicted to result in the amino acid substitution p.Leu7Phe. To our knowledge, this variant has not been reported in the literature. This variant is reported in 0.011% of alleles in individuals of Latino descent in gnomAD. At this time, the clinical significance of this variant is uncertain due to the absence of conclusive functional and genetic evidence.